The following is an entry in ClinVar:

ClinVar aggregate classification (germline): Uncertain significance (1 of 4 stars; one submission).

gnomAD v4.1: 4 of 1,572,916 alleles (0.00025%); highest among the groups gnomAD compares: South Asian, 0.0012%; no homozygotes.

Submission:

Ambry Genetics
Classification: Uncertain significance. Last evaluated: 2025-01-08. Review status: criteria provided, single submitter. Criteria: Ambry Variant Classification Scheme 2023. Collection method: clinical testing. Allele origin: germline.
Comment: The p.D642N variant (also known as c.1924G>A), located in coding exon 8 of the WNK2 gene, results from a G to A substitution at nucleotide position 1924. The aspartic acid at codon 642 is replaced by asparagine, an amino acid with highly similar properties. This amino acid position is conserved. In addition, this alteration is predicted to be tolerated by in silico analysis. Based on the available evidence, the clinical significance of this variant remains unclear.

NM_006648.4(WNK2):c.1924G>A (p.Asp642Asn)

Gene: WNK2 (WNK lysine deficient protein kinase 2; plus strand). Cytogenetic location: 9q22.31.
Variant type: single nucleotide variant.
Coding change: c.1924G>A on transcript NM_006648.4 (MANE Select); coding-DNA position 1924, G replaced by A.
Protein change: p.Asp642Asn; replaces aspartic acid 642 with asparagine.
Molecular consequence: missense variant.
Genome position (GRCh38, 1-based): chr9:93,252,972, G>A. VCF-style: chr9-93252972-G-A. GRCh37 (hg19) VCF-style: chr9-96015254-G-A.
Other names: c.1924G>A, p.Asp642Asn (NM_001282394.3); short protein forms D642N.
Identifiers: ClinVar variation 3816781 (VCV003816781.1).